The following is an entry in ClinVar:

NM_004035.7(ACOX1):c.572C>T (p.Ala191Val)

Gene: ACOX1 (acyl-CoA oxidase 1; minus strand). Cytogenetic location: 17q25.1.
Variant type: single nucleotide variant.
Coding change: c.572C>T on transcript NM_004035.7 (MANE Select); coding-DNA position 572, C replaced by T.
Protein change: p.Ala191Val; replaces alanine 191 with valine.
Molecular consequence: missense variant.
Genome position (GRCh38, 1-based): chr17:75,955,914, G>A on the plus strand (C>T on the coding strand, the complement: ACOX1 is on the minus strand). VCF-style: chr17-75955914-G-A. GRCh37 (hg19) VCF-style: chr17-73951995-G-A.
Other names: c.458C>T, p.Ala153Val (NM_001185039.2); c.572C>T, p.Ala191Val (NM_007292.6); short protein forms A153V, A191V.
Identifiers: ClinVar variation 1718100 (VCV001718100.6), dbSNP rs2546079898, ClinGen allele CA401068188.

ClinVar aggregate classification (germline): Uncertain significance (1 of 4 stars; one submission).

Conditions:
Acyl-CoA oxidase deficiency. Also called: Pseudoneonatal adrenoleukodystrophy; Peroxisomal acyl-CoA oxidase deficiency; STRAIGHT-CHAIN ACYL-CoA OXIDASE DEFICIENCY. Identifiers: Orphanet 2971, MedGen C1849678, MONDO:0009919, OMIM 264470. Disease mechanism: loss of function.

Submission:

Labcorp Genetics (formerly Invitae), Labcorp
Classification: Uncertain significance for Acyl-CoA oxidase deficiency. Last evaluated: 2022-10-24. Review status: criteria provided, single submitter. Criteria: Invitae Variant Classification Sherloc (09022015). Collection method: clinical testing. Allele origin: germline.
Comment: This variant has not been reported in the literature in individuals affected with ACOX1-related conditions. In summary, the available evidence is currently insufficient to determine the role of this variant in disease. Therefore, it has been classified as a Variant of Uncertain Significance. Advanced modeling of protein sequence and biophysical properties (such as structural, functional, and spatial information, amino acid conservation, physicochemical variation, residue mobility, and thermodynamic stability) performed at Invitae indicates that this missense variant is expected to disrupt ACOX1 protein function. This variant is not present in population databases (gnomAD no frequency). This sequence change replaces alanine, which is neutral and non-polar, with valine, which is neutral and non-polar, at codon 191 of the ACOX1 protein (p.Ala191Val).